The following is an entry in ClinVar:

NM_000406.3(GNRHR):c.319T>C (p.Trp107Arg)

Gene: GNRHR (gonadotropin releasing hormone receptor; minus strand). Cytogenetic location: 4q13.2.
Variant type: single nucleotide variant.
Coding change: c.319T>C on transcript NM_000406.3 (MANE Select); coding-DNA position 319, T replaced by C.
Protein change: p.Trp107Arg; replaces tryptophan 107 with arginine.
Molecular consequence: missense variant.
Genome position (GRCh38, 1-based): chr4:67,754,017, A>G on the plus strand (T>C on the coding strand, the complement: GNRHR is on the minus strand). VCF-style: chr4-67754017-A-G. GRCh37 (hg19) VCF-style: chr4-68619735-A-G.
Other names: c.319T>C, p.Trp107Arg (NM_001012763.2); short protein forms W107R.
Identifiers: ClinVar variation 3701706 (VCV003701706.2).

ClinVar aggregate classification (germline): Uncertain significance (1 of 4 stars; one submission).

Submission:

Labcorp Genetics (formerly Invitae), Labcorp
Classification: Uncertain significance. Last evaluated: 2024-05-09. Review status: criteria provided, single submitter. Criteria: Invitae Variant Classification Sherloc (09022015). Collection method: clinical testing. Allele origin: germline.
Comment: This sequence change replaces tryptophan, which is neutral and slightly polar, with arginine, which is basic and polar, at codon 107 of the GNRHR protein (p.Trp107Arg). This variant is present in population databases (no rsID available, gnomAD 0.007%). This variant has not been reported in the literature in individuals affected with GNRHR-related conditions. Advanced modeling of protein sequence and biophysical properties (such as structural, functional, and spatial information, amino acid conservation, physicochemical variation, residue mobility, and thermodynamic stability) performed at Invitae indicates that this missense variant is expected to disrupt GNRHR protein function with a positive predictive value of 80%. In summary, the available evidence is currently insufficient to determine the role of this variant in disease. Therefore, it has been classified as a Variant of Uncertain Significance.